The following is an entry in ClinVar:

ClinVar aggregate classification (germline): Uncertain significance (1 of 4 stars; one submission).

Conditions:
Nemaline myopathy 2 (NEM2). Also called: Nemaline myopathy 2, autosomal recessive. Identifiers: MedGen C1850569, MONDO:0009725, OMIM 256030.

Allele frequency attached by ClinVar (database versions not stated): ExAC 0.00001.

Submission:

Labcorp Genetics (formerly Invitae), Labcorp
Classification: Uncertain significance for Nemaline myopathy 2. Last evaluated: 2021-06-18. Review status: criteria provided, single submitter. Criteria: Invitae Variant Classification Sherloc (09022015). Collection method: clinical testing. Allele origin: germline.
Comment: This sequence change replaces lysine with threonine at codon 2309 of the NEB protein (p.Lys2309Thr). The lysine residue is moderately conserved and there is a moderate physicochemical difference between lysine and threonine. This variant is present in population databases (rs778936780, ExAC 0.01%). This variant has not been reported in the literature in individuals with NEB-related conditions. Algorithms developed to predict the effect of missense changes on protein structure and function are either unavailable or do not agree on the potential impact of this missense change (SIFT: "Deleterious"; PolyPhen-2: "Not Available"; Align-GVGD: "Class C0"). In summary, the available evidence is currently insufficient to determine the role of this variant in disease. Therefore, it has been classified as a Variant of Uncertain Significance.

NM_001164508.2(NEB):c.6926A>C (p.Lys2309Thr)

Gene: NEB (nebulin; minus strand). Cytogenetic location: 2q23.3.
Variant type: single nucleotide variant.
Coding change: c.6926A>C on transcript NM_001164508.2 (MANE Select); coding-DNA position 6926, A replaced by C.
Protein change: p.Lys2309Thr; replaces lysine 2309 with threonine.
Molecular consequence: missense variant.
Genome position (GRCh38, 1-based): chr2:151,650,875, T>G on the plus strand (A>C on the coding strand, the complement: NEB is on the minus strand). VCF-style: chr2-151650875-T-G. GRCh37 (hg19) VCF-style: chr2-152507389-T-G.
Other names: c.6926A>C, p.Lys2309Thr (NM_001164507.2, NM_001271208.2, NM_004543.5); short protein forms K2309T.
Identifiers: ClinVar variation 2084119 (VCV002084119.1), dbSNP rs778936780, ClinGen allele CA1909954.